The following is an entry in ClinVar:

ClinVar aggregate classification (germline): Uncertain significance (1 of 4 stars; one submission).

Conditions:
Familial cancer of breast. Also called: hereditary breast carcinoma; BREAST CANCER, FAMILIAL; Hereditary breast cancer. Identifiers: Orphanet 227535, MedGen C0346153, MONDO:0016419, OMIM 114480. Disease mechanism: loss of function.

Submission:

Labcorp Genetics (formerly Invitae), Labcorp
Classification: Uncertain significance for Familial cancer of breast. Last evaluated: 2021-01-04. Review status: criteria provided, single submitter. Criteria: Invitae Variant Classification Sherloc (09022015). Collection method: clinical testing. Allele origin: germline.
Comment: In summary, the available evidence is currently insufficient to determine the role of this variant in disease. Therefore, it has been classified as a Variant of Uncertain Significance. Algorithms developed to predict the effect of missense changes on protein structure and function output the following: SIFT: "Deleterious"; PolyPhen-2: "Benign"; Align-GVGD: "Class C0". The proline amino acid residue is found in multiple mammalian species, suggesting that this missense change does not adversely affect protein function. These predictions have not been confirmed by published functional studies and their clinical significance is uncertain. This variant has not been reported in the literature in individuals with PALB2-related conditions. This variant is not present in population databases (ExAC no frequency). This sequence change replaces leucine with proline at codon 67 of the PALB2 protein (p.Leu67Pro). The leucine residue is highly conserved and there is a moderate physicochemical difference between leucine and proline.

NM_024675.4(PALB2):c.200T>C (p.Leu67Pro)

Gene: PALB2 (partner and localizer of BRCA2; minus strand). Cytogenetic location: 16p12.2.
Variant type: single nucleotide variant.
Coding change: c.200T>C on transcript NM_024675.4 (MANE Select); coding-DNA position 200, T replaced by C.
Protein change: p.Leu67Pro; replaces leucine 67 with proline.
Molecular consequence: missense variant.
Genome position (GRCh38, 1-based): chr16:23,637,861, A>G on the plus strand (T>C on the coding strand, the complement: PALB2 is on the minus strand). VCF-style: chr16-23637861-A-G. GRCh37 (hg19) VCF-style: chr16-23649182-A-G.
Other names: short protein forms L67P.
Identifiers: ClinVar variation 1467117 (VCV001467117.9), dbSNP rs2142455603, ClinGen allele CA395139028.